The following is an entry in ClinVar:

NM_001077653.2(TBX20):c.2T>C (p.Met1Thr)

Gene: TBX20 (T-box transcription factor 20; minus strand). Cytogenetic location: 7p14.2.
Variant type: single nucleotide variant.
Coding change: c.2T>C on transcript NM_001077653.2 (MANE Select); coding-DNA position 2, T replaced by C.
Protein change: p.Met1Thr; changes the start codon (methionine 1).
Molecular consequence: missense variant, initiator codon variant.
Genome position (GRCh38, 1-based): chr7:35,253,619, A>G on the plus strand (T>C on the coding strand, the complement: TBX20 is on the minus strand). VCF-style: chr7-35253619-A-G. GRCh37 (hg19) VCF-style: chr7-35293230-A-G.
Other names: c.2T>C, p.Met1Thr (NM_001166220.1); short protein forms M1T.
Identifiers: ClinVar variation 4711397 (VCV004711397.1).

ClinVar aggregate classification (germline): Uncertain significance (1 of 4 stars; one submission).

Submission:

Labcorp Genetics (formerly Invitae), Labcorp
Classification: Uncertain significance. Last evaluated: 2025-02-12. Review status: criteria provided, single submitter. Criteria: Invitae Variant Classification Sherloc (09022015). Collection method: clinical testing. Allele origin: germline.
Comment: This sequence change affects the initiator methionine of the TBX20 mRNA. The next in-frame methionine is located at codon 24. This variant is not present in population databases (gnomAD no frequency). This variant has not been reported in the literature in individuals affected with TBX20-related conditions. Experimental studies and prediction algorithms are not available or were not evaluated, and the functional significance of this variant is currently unknown. In summary, the available evidence is currently insufficient to determine the role of this variant in disease. Therefore, it has been classified as a Variant of Uncertain Significance.